The following is an entry in ClinVar:

ClinVar aggregate classification (germline): Likely pathogenic (1 of 4 stars; one submission).

Submission:

GeneDx
Classification: Likely pathogenic. Last evaluated: 2025-07-28. Review status: criteria provided, single submitter. Criteria: GeneDx Variant Classification Process June 2021. Collection method: clinical testing. Allele origin: germline. Affected: yes.
Comment: Frameshift variant predicted to result in protein truncation or nonsense mediated decay in a gene for which loss of function is a known mechanism of disease; Not observed at significant frequency in large population cohorts (gnomAD); Has not been previously published as pathogenic or benign to our knowledge; This variant is associated with the following publications: (PMID: 22335739, 32778822)

NM_001267550.2(TTN):c.81742del (p.Arg27248fs)

Genes: TTN (titin; minus strand), TTN-AS1 (TTN antisense RNA 1; plus strand). Cytogenetic location: 2q31.2.
Variant type: Deletion.
Coding change: c.81742del on transcript NM_001267550.2 (MANE Select); coding-DNA position 81742, one base deleted (A; older notation c.81742delA).
Protein change: p.Arg27248fs; shifts the reading frame from arginine 27248.
Molecular consequence: frameshift variant.
Genome position (GRCh38, 1-based): chr2:178,564,390, T deleted on the plus strand (A on the coding strand, the reverse complement: TTN is on the minus strand); the first of 2 consecutive T bases (chr2:178,564,390-178,564,391); deleting either gives the same sequence. VCF-style (leftmost placement, unchanged base first): chr2-178564389-CT-C. GRCh37 (hg19) VCF-style: chr2-179429116-CT-C.
Other names: c.76819del, p.Arg25607fs (NM_001256850.1); c.81741delA, p.Arg27248Glufs (NM_001267550.1); c.54547del, p.Arg18183fs (NM_003319.4); c.74038del, p.Arg24680fs (NM_133378.4); c.54922del, p.Arg18308fs (NM_133432.3); c.55123del, p.Arg18375fs (NM_133437.4); short protein forms R18183fs, R18308fs, R18375fs, R24680fs, R25607fs, R27248fs.
Identifiers: ClinVar variation 4689829 (VCV004689829.1).
Genomic context (GRCh38, chr2:178,564,389, plus strand): 5'-TCTCTTGCAGTAATGGCACCACTACTATCAGATGGTTCACTAAAGTTTCCAGCTGCATTT[CT>C]TGCAATTACTCTAAATTCATATCTTTGGTCTTCTACAAGTCCACTCACTGTAAATTCAGT-3'